The following is an entry in ClinVar:

ClinVar aggregate classification (germline): Uncertain significance (1 of 4 stars; one submission).

Conditions:
Chédiak-Higashi syndrome (CHS). Also called: Chediak-Higashi Syndrome. Identifiers: Orphanet 167, MedGen C0007965, MONDO:0008963, OMIM 214500.

Submission:

Labcorp Genetics (formerly Invitae), Labcorp
Classification: Uncertain significance for Chédiak-Higashi syndrome. Last evaluated: 2020-09-08. Review status: criteria provided, single submitter. Criteria: Invitae Variant Classification Sherloc (09022015). Collection method: clinical testing. Allele origin: germline.
Comment: Algorithms developed to predict the effect of missense changes on protein structure and function output the following: SIFT: "Tolerated"; PolyPhen-2: "Benign"; Align-GVGD: "Class C0". The glycine amino acid residue is found in multiple mammalian species, suggesting that this missense change does not adversely affect protein function. These predictions have not been confirmed by published functional studies and their clinical significance is uncertain. In summary, the available evidence is currently insufficient to determine the role of this variant in disease. Therefore, it has been classified as a Variant of Uncertain Significance. This variant has not been reported in the literature in individuals with LYST-related conditions. This variant is not present in population databases (ExAC no frequency). This sequence change replaces glutamic acid with glycine at codon 2283 of the LYST protein (p.Glu2283Gly). The glutamic acid residue is moderately conserved and there is a moderate physicochemical difference between glutamic acid and glycine.

NM_000081.4(LYST):c.6848A>G (p.Glu2283Gly)

Gene: LYST (lysosomal trafficking regulator; minus strand). Cytogenetic location: 1q42.3.
Variant type: single nucleotide variant.
Coding change: c.6848A>G on transcript NM_000081.4 (MANE Select); coding-DNA position 6848, A replaced by G.
Protein change: p.Glu2283Gly; replaces glutamic acid 2283 with glycine.
Molecular consequence: missense variant.
Genome position (GRCh38, 1-based): chr1:235,759,005, T>C on the plus strand (A>G on the coding strand, the complement: LYST is on the minus strand). VCF-style: chr1-235759005-T-C. GRCh37 (hg19) VCF-style: chr1-235922305-T-C.
Other names: c.6848A>G, p.Glu2283Gly (NM_001301365.1); short protein forms E2283G.
Identifiers: ClinVar variation 1008624 (VCV001008624.5), dbSNP rs2527802454, ClinGen allele CA344938961.